The following is an entry in ClinVar:

NM_005901.6(SMAD2):c.514A>G (p.Thr172Ala)

Gene: SMAD2 (SMAD family member 2; minus strand). Cytogenetic location: 18q21.1.
Variant type: single nucleotide variant.
Coding change: c.514A>G on transcript NM_005901.6 (MANE Select); coding-DNA position 514, A replaced by G.
Protein change: p.Thr172Ala; replaces threonine 172 with alanine.
Molecular consequence: missense variant.
Genome position (GRCh38, 1-based): chr18:47,869,249, T>C on the plus strand (A>G on the coding strand, the complement: SMAD2 is on the minus strand). VCF-style: chr18-47869249-T-C. GRCh37 (hg19) VCF-style: chr18-45395620-T-C.
Other names: c.514A>G, p.Thr172Ala (NM_001003652.4); c.424A>G, p.Thr142Ala (NM_001135937.3); short protein forms T142A, T172A.
Identifiers: ClinVar variation 3958343 (VCV003958343.2).

ClinVar aggregate classification (germline): Uncertain significance (1 of 4 stars; one submission).

Conditions:
Inborn genetic diseases. Identifiers: MedGen C0950123, MeSH D030342.

Submission:

Ambry Genetics
Classification: Uncertain significance for Inborn genetic diseases. Last evaluated: 2025-07-08. Review status: criteria provided, single submitter. Criteria: Ambry Variant Classification Scheme 2023. Collection method: clinical testing. Allele origin: germline.
Comment: The c.514A>G (p.T172A) alteration is located in exon 4 (coding exon 3) of the SMAD2 gene. This alteration results from a A to G substitution at nucleotide position 514, causing the threonine (T) at amino acid position 172 to be replaced by an alanine (A). This variant was not reported in population-based cohorts in the Genome Aggregation Database (gnomAD). This amino acid position is highly conserved in available vertebrate species. This alteration is predicted to be deleterious by in silico analysis. Based on insufficient or conflicting evidence, the clinical significance of this alteration remains unclear.